The following continues an entry in ClinVar:

NM_033380.3(COL4A5):c.1276G>A (p.Gly426Arg)

Gene: COL4A5. ClinVar aggregate classification (germline): Pathogenic/Likely pathogenic. Pathogenic (11); Likely pathogenic (2).

Submissions 9 to 14 of 14:

Ambry Genetics
Classification: Likely pathogenic for Inborn genetic diseases. Last evaluated: 2023-12-28. Review status: criteria provided, single submitter. Criteria: Ambry Variant Classification Scheme 2023. Collection method: clinical testing. Allele origin: germline.
Comment: The c.1276G>A (p.G426R) alteration is located in exon 20 (coding exon 20) of the COL4A5 gene. This alteration results from a G to A substitution at nucleotide position 1276, causing the glycine (G) at amino acid position 426 to be replaced by an arginine (R). This variant was not reported in population-based cohorts in the Genome Aggregation Database (gnomAD). This alteration has been detected in multiple individuals with clinical features of COL4A5-related Alport syndrome (Zhou, 2023; Shulman, 2021; Groopman, 2019; Yao, 2019; Ma, 2011; Nagel, 2005). This amino acid position is highly conserved in available vertebrate species. In an assay testing COL4A5 function, this variant showed a functionally abnormal result (Omachi, 2018). This alteration is predicted to be deleterious by in silico analysis. Based on the available evidence, this alteration is classified as likely pathogenic.

Mayo Clinic Laboratories, Mayo Clinic
Classification: Pathogenic. Last evaluated: 2022-11-03. Review status: criteria provided, single submitter. Criteria: ACMG Guidelines, 2015. Collection method: clinical testing. Allele origin: germline. Observed: 1 variant allele.
Comment: PP2, PP3, PM1, PM2_supporting, PS4_moderate

Revvity Omics, Revvity
Classification: Pathogenic for X-linked Alport syndrome. Last evaluated: 2021-07-23. Review status: criteria provided, single submitter. Criteria: ACMG Guidelines, 2015. Collection method: clinical testing. Allele origin: germline.

GeneDx
Classification: Pathogenic. Last evaluated: 2021-04-08. Review status: criteria provided, single submitter. Criteria: GeneDx Variant Classification Process June 2021. Collection method: clinical testing. Allele origin: germline. Affected: yes.
Comment: Affects a glycine residue in a Gly-X-Y motif in the triple helical region of the COL4A5 gene, where the majority of pathogenic missense variants occur, and is predicted to disrupt normal protein folding and function (Stenson et al., 2014; Jais et al., 2000); Not observed in large population cohorts (Lek et al., 2016); In silico analysis supports that this missense variant has a deleterious effect on protein structure/function; This variant is associated with the following publications: (PMID: 15954103, 21505094, 30647093)

Gharavi Laboratory, Columbia University
Classification: Likely pathogenic. Last evaluated: 2018-09-16. Review status: criteria provided, single submitter. Criteria: ACMG Guidelines, 2015. Collection method: research. Allele origin: germline. Affected: yes.

Bioscientia Institut fuer Medizinische Diagnostik GmbH, Sonic Healthcare
Classification: Pathogenic for X-linked Alport syndrome. Last evaluated: 2019-09-25. Review status: no assertion criteria provided. Collection method: clinical testing. Allele origin: germline. Affected: yes. Not counted in ClinVar's aggregate classification.

Literature cited by the submitters: PubMed 15954103 (cited by 5 submitters); PubMed 21505094 (cited by 5 submitters); PubMed 30647093 (cited by 3 submitters); PubMed 7695699 (cited by Labcorp Genetics (formerly Invitae), Labcorp); PubMed 8218237 (cited by Labcorp Genetics (formerly Invitae), Labcorp); PubMed 19344236 (cited by Labcorp Genetics (formerly Invitae), Labcorp); PubMed 23720012 (cited by Labcorp Genetics (formerly Invitae), Labcorp); PubMed 27627812 (cited by Labcorp Genetics (formerly Invitae), Labcorp); PubMed 19965530 (cited by Victorian Clinical Genetics Services, Murdoch Childrens Research Institute); PubMed 24046192 (cited by Victorian Clinical Genetics Services, Murdoch Childrens Research Institute); PubMed 12028435 (cited by Victorian Clinical Genetics Services, Murdoch Childrens Research Institute); PubMed 14514738 (cited by Victorian Clinical Genetics Services, Murdoch Childrens Research Institute); PubMed 37097554 (cited by Women's Health and Genetics/Laboratory Corporation of America, LabCorp and Ambry Genetics); PubMed 29526710 (cited by Ambry Genetics and Mayo Clinic Laboratories, Mayo Clinic); PubMed 30586318 (cited by Ambry Genetics and Mayo Clinic Laboratories, Mayo Clinic); PubMed 33851121 (cited by Ambry Genetics); PubMed 34400539 (cited by Mayo Clinic Laboratories, Mayo Clinic).